The following is an entry in ClinVar:

NM_001032283.3(TMPO):c.565+2079C>G

Gene: TMPO (thymopoietin; plus strand). Cytogenetic location: 12q23.1.
Variant type: single nucleotide variant.
Coding change: c.565+2079C>G on transcript NM_001032283.3 (MANE Select); 2079 bases into the intron after coding-DNA position 565, C replaced by G.
Molecular consequence: intron variant. On other transcripts: missense variant (1).
Genome position (GRCh38, 1-based): chr12:98,533,917, C>G. VCF-style: chr12-98533917-C-G. GRCh37 (hg19) VCF-style: chr12-98927695-C-G.
Other names: c.565+2079C>G (NM_001307975.2, NM_001032284.3); c.1660C>G, p.Gln554Glu (NM_003276.2); short protein forms Q554E.
Identifiers: ClinVar variation 3676765 (VCV003676765.2).

ClinVar aggregate classification (germline): Uncertain significance (1 of 4 stars; one submission).

Conditions:
Loeys-Dietz syndrome 2 (LDS2). Also called: TGFBR2-Related Loeys-Dietz Syndrome; Marfan syndrome, type 2 (formerly); AORTIC ANEURYSM, FAMILIAL THORACIC 3; MARFAN SYNDROME, TYPE II; Marfan Syndrome type 2; Marfan like connective tissue disorder. Identifiers: Orphanet 284973, Orphanet 558, MedGen C2674574, MONDO:0012427, OMIM 610168.

Submission:

Labcorp Genetics (formerly Invitae), Labcorp
Classification: Uncertain significance for Loeys-Dietz syndrome 2. Last evaluated: 2024-06-04. Review status: criteria provided, single submitter. Criteria: Invitae Variant Classification Sherloc (09022015). Collection method: clinical testing. Allele origin: germline.
Comment: This sequence change replaces glutamine, which is neutral and polar, with glutamic acid, which is acidic and polar, at codon 554 of the TMPO protein (p.Gln554Glu). This variant is not present in population databases (gnomAD no frequency). This variant has not been reported in the literature in individuals affected with TMPO-related conditions. Advanced modeling of protein sequence and biophysical properties (such as structural, functional, and spatial information, amino acid conservation, physicochemical variation, residue mobility, and thermodynamic stability) performed at Invitae indicates that this missense variant is not expected to disrupt TMPO protein function with a negative predictive value of 80%. In summary, the available evidence is currently insufficient to determine the role of this variant in disease. Therefore, it has been classified as a Variant of Uncertain Significance.